The following is an entry in ClinVar:

NM_013275.6(ANKRD11):c.5586C>T (p.Val1862=)

Gene: ANKRD11 (ankyrin repeat domain 11; minus strand). Cytogenetic location: 16q24.3.
Variant type: single nucleotide variant.
Coding change: c.5586C>T on transcript NM_013275.6 (MANE Select); coding-DNA position 5586, C replaced by T.
Protein change: p.Val1862=; no amino-acid change (valine 1862 retained).
Molecular consequence: synonymous variant.
Genome position (GRCh38, 1-based): chr16:89,280,956, G>A on the plus strand (C>T on the coding strand, the complement: ANKRD11 is on the minus strand). VCF-style: chr16-89280956-G-A. GRCh37 (hg19) VCF-style: chr16-89347364-G-A.
Other names: c.5586C>T, p.Val1862= (NM_001256182.2, NM_001256183.2); c.5586C>T (NM_013275.4).
Identifiers: ClinVar variation 767498 (VCV000767498.16), dbSNP rs772818159, ClinGen allele CA8241791.

ClinVar aggregate classification (germline): Benign/Likely benign. Review status: criteria provided, multiple submitters, no conflicts (2 of 4 stars). 6 submissions from 6 submitters: Benign (3); Likely benign (3). Last evaluated 2026-09-01.

Conditions:
Inborn genetic diseases. Identifiers: MedGen C0950123, MeSH D030342.
KBG syndrome (KBGS). Also called: ANKRD11-Related KBG Syndrome. Identifiers: Orphanet 2332, MedGen C0220687, MONDO:0007846, OMIM 148050.

Allele frequency attached by ClinVar (database versions not stated): gnomAD 0.00006; TOPMed 0.00014; ExAC 0.00020.
gnomAD v4.1: 61 of 1,572,948 alleles (0.0039%); highest among the groups gnomAD compares: Admixed American, 0.095%; 1 homozygote.

Submissions (6):

CeGaT Center for Human Genetics Tuebingen
Classification: Likely benign. Last evaluated: 2026-09-01. Review status: criteria provided, single submitter. Criteria: CeGaT Center For Human Genetics Tuebingen Variant Classification Criteria Version 2. Collection method: clinical testing. Allele origin: germline. Affected: yes. Observed: 2 variant alleles.
Comment: ANKRD11: BP4, BP7

Labcorp Genetics (formerly Invitae), Labcorp
Classification: Benign for KBG syndrome. Last evaluated: 2025-04-11. Review status: criteria provided, single submitter. Criteria: Invitae Variant Classification Sherloc (09022015). Collection method: clinical testing. Allele origin: germline.

Blueprint Genetics
Classification: Likely benign. Last evaluated: 2024-11-26. Review status: criteria provided, single submitter. Criteria: ACMG Guidelines, 2015. Collection method: clinical testing. Allele origin: germline.

Genome-Nilou Lab
Classification: Benign for KBG syndrome. Last evaluated: 2021-12-05. Review status: criteria provided, single submitter. Criteria: ACMG Guidelines, 2015. Collection method: clinical testing. Allele origin: germline. Affected: no.

GeneDx
Classification: Benign. Last evaluated: 2019-10-14. Review status: criteria provided, single submitter. Criteria: GeneDx Variant Classification Process June 2021. Collection method: clinical testing. Allele origin: germline. Affected: yes.

Ambry Genetics
Classification: Likely benign for Inborn genetic diseases. Last evaluated: 2018-03-10. Review status: criteria provided, single submitter. Criteria: Ambry Variant Classification Scheme 2023. Collection method: clinical testing. Allele origin: germline.